The following is an entry in ClinVar:

ClinVar aggregate classification (germline): Uncertain significance. Review status: criteria provided, multiple submitters, no conflicts (2 of 4 stars). 2 submissions from 2 submitters: Uncertain significance (2). Last evaluated 2023-11-27.

Conditions:
Emery-Dreifuss muscular dystrophy 5, autosomal dominant (EDMD5). Also called: EMERY-DREIFUSS MUSCULAR DYSTROPHY 5. Identifiers: Orphanet 261, MedGen C2751805, MONDO:0013072, OMIM 612999.

Allele frequency attached by ClinVar (database versions not stated): gnomAD exomes 0.00002 and 0.00006; ExAC 0.00003; TOPMed 0.00010; 1000 Genomes Project 30x 0.00016; 1000 Genomes Project 0.00020.
gnomAD v4.1: 48 of 1,613,468 alleles (0.003%); highest among the groups gnomAD compares: South Asian, 0.013%; no homozygotes.

Submissions (2):

Labcorp Genetics (formerly Invitae), Labcorp
Classification: Uncertain significance for Emery-Dreifuss muscular dystrophy 5, autosomal dominant. Last evaluated: 2023-11-27. Review status: criteria provided, single submitter. Criteria: Invitae Variant Classification Sherloc (09022015). Collection method: clinical testing. Allele origin: germline.
Comment: This sequence change replaces arginine, which is basic and polar, with cysteine, which is neutral and slightly polar, at codon 1277 of the SYNE2 protein (p.Arg1277Cys). This variant is present in population databases (rs530177448, gnomAD 0.02%). This variant has not been reported in the literature in individuals affected with SYNE2-related conditions. ClinVar contains an entry for this variant (Variation ID: 863730). An algorithm developed to predict the effect of missense changes on protein structure and function (PolyPhen-2) suggests that this variant is likely to be disruptive. In summary, the available evidence is currently insufficient to determine the role of this variant in disease. Therefore, it has been classified as a Variant of Uncertain Significance.

Ambry Genetics
Classification: Uncertain significance. Last evaluated: 2023-11-15. Review status: criteria provided, single submitter. Criteria: Ambry Variant Classification Scheme 2023. Collection method: clinical testing. Allele origin: germline.

NM_182914.3(SYNE2):c.3829C>T (p.Arg1277Cys)

Gene: SYNE2 (spectrin repeat containing nuclear envelope protein 2; plus strand). Cytogenetic location: 14q23.2.
Variant type: single nucleotide variant.
Coding change: c.3829C>T on transcript NM_182914.3 (MANE Select); coding-DNA position 3829, C replaced by T.
Protein change: p.Arg1277Cys; replaces arginine 1277 with cysteine.
Molecular consequence: missense variant.
Genome position (GRCh38, 1-based): chr14:64,002,762, C>T. VCF-style: chr14-64002762-C-T. GRCh37 (hg19) VCF-style: chr14-64469480-C-T.
Other names: c.3829C>T, p.Arg1277Cys (NM_015180.6); short protein forms R1277C.
Identifiers: ClinVar variation 863730 (VCV000863730.10), dbSNP rs530177448, ClinGen allele CA7220078.